The following is an entry in ClinVar:

NM_015272.5(RPGRIP1L):c.2435_2436dup (p.Pro813fs)

Gene: RPGRIP1L (RPGRIP1 like; minus strand). Cytogenetic location: 16q12.2.
Variant type: Microsatellite.
Coding change: c.2435_2436dup on transcript NM_015272.5 (MANE Select); coding-DNA positions 2435 to 2436, 2 bases duplicated (AC; older notation c.2435_2436dupAC).
Protein change: p.Pro813fs; shifts the reading frame from proline 813.
Molecular consequence: frameshift variant.
Genome position (GRCh38, 1-based): chr16:53,645,872-53,645,873, GT duplicated on the plus strand (AC on the coding strand, the reverse complement: RPGRIP1L is on the minus strand); duplicating any 2 consecutive bases within chr16:53,645,872-53,645,876 gives the same sequence; the c. name uses the placement nearest the transcript's 3' end. VCF-style (leftmost placement, unchanged base first): chr16-53645871-G-GGT. GRCh37 (hg19) VCF-style: chr16-53679783-G-GGT.
Other names: c.2435_2436dup, p.Pro813fs (NM_001127897.4, NM_001308334.3, NM_001330538.2); short protein forms P813fs.
Identifiers: ClinVar variation 2010852 (VCV002010852.4), dbSNP rs1966510483, ClinGen allele CA2580613481.

ClinVar aggregate classification (germline): Pathogenic (1 of 4 stars; one submission).

Conditions:
Joubert syndrome. Also called: CEREBELLOPARENCHYMAL DISORDER IV; JOUBERT-BOLTSHAUSER SYNDROME; Familial aplasia of the vermis. Identifiers: Orphanet 475, MedGen C5979921, MONDO:0018772.
Meckel-Gruber syndrome. Also called: DYSENCEPHALIA SPLANCHNOCYSTICA; GRUBER SYNDROME; Dysencephalia splachnocystica. Identifiers: Orphanet 564, MedGen C0265215, MONDO:0018921.

Submission:

Labcorp Genetics (formerly Invitae), Labcorp
Classification: Pathogenic for Joubert syndrome; Meckel-Gruber syndrome. Last evaluated: 2022-06-26. Review status: criteria provided, single submitter. Criteria: Invitae Variant Classification Sherloc (09022015). Collection method: clinical testing. Allele origin: germline.
Comment: For these reasons, this variant has been classified as Pathogenic. This variant has not been reported in the literature in individuals affected with RPGRIP1L-related conditions. This variant is not present in population databases (gnomAD no frequency). This sequence change creates a premature translational stop signal (p.Pro813Thrfs*37) in the RPGRIP1L gene. It is expected to result in an absent or disrupted protein product. Loss-of-function variants in RPGRIP1L are known to be pathogenic (PMID: 17558409).

Literature cited by the submitters: PubMed 17558409.